The following is an entry in ClinVar:

NM_001042492.3(NF1):c.1634C>A (p.Ala545Glu)

Gene: NF1 (neurofibromin 1; plus strand). Cytogenetic location: 17q11.2.
Variant type: single nucleotide variant.
Coding change: c.1634C>A on transcript NM_001042492.3 (MANE Select); coding-DNA position 1634, C replaced by A.
Protein change: p.Ala545Glu; replaces alanine 545 with glutamic acid.
Molecular consequence: missense variant.
Genome position (GRCh38, 1-based): chr17:31,219,111, C>A. VCF-style: chr17-31219111-C-A. GRCh37 (hg19) VCF-style: chr17-29546129-C-A.
Other names: c.1634C>A, p.Ala545Glu (NM_000267.4, NM_001128147.3); short protein forms A545E.
Identifiers: ClinVar variation 2137963 (VCV002137963.4), dbSNP rs2143987317, ClinGen allele CA399002145.

ClinVar aggregate classification (germline): Likely pathogenic (1 of 4 stars; one submission).

Conditions:
Neurofibromatosis, type 1 (NF1). Also called: Peripheral type neurofibromatosis; VON RECKLINGHAUSEN DISEASE; NEUROFIBROMATOSIS, TYPE I, SOMATIC; Neurofibromatosis, type I. Identifiers: Orphanet 636, MedGen C0027831, MONDO:0018975, OMIM 162200. Disease mechanism: loss of function.

Submission:

Labcorp Genetics (formerly Invitae), Labcorp
Classification: Likely pathogenic for Neurofibromatosis, type 1. Last evaluated: 2022-09-30. Review status: criteria provided, single submitter. Criteria: Invitae Variant Classification Sherloc (09022015). Collection method: clinical testing. Allele origin: germline.
Comment: In summary, the currently available evidence indicates that the variant is pathogenic, but additional data are needed to prove that conclusively. Therefore, this variant has been classified as Likely Pathogenic. Advanced modeling of protein sequence and biophysical properties (such as structural, functional, and spatial information, amino acid conservation, physicochemical variation, residue mobility, and thermodynamic stability) performed at Invitae indicates that this missense variant is expected to disrupt NF1 protein function. This missense change has been observed in individual(s) with neurofibromatosis type 1 (PMID: 26740943, 33911094). This variant is not present in population databases (gnomAD no frequency). This sequence change replaces alanine, which is neutral and non-polar, with glutamic acid, which is acidic and polar, at codon 545 of the NF1 protein (p.Ala545Glu).

Literature cited by the submitters: PubMed 26740943; PubMed 33911094.